The following is an entry in ClinVar:

ClinVar aggregate classification (germline): Uncertain significance (1 of 4 stars; one submission).

gnomAD v4.1: 2 of 1,613,876 alleles (0.00012%); highest among the groups gnomAD compares: Non-Finnish European, 0.00017%; no homozygotes.

Submission:

Labcorp Genetics (formerly Invitae), Labcorp
Classification: Uncertain significance. Last evaluated: 2024-06-03. Review status: criteria provided, single submitter. Criteria: Invitae Variant Classification Sherloc (09022015). Collection method: clinical testing. Allele origin: germline.
Comment: This sequence change replaces proline, which is neutral and non-polar, with alanine, which is neutral and non-polar, at codon 846 of the DDX58 protein (p.Pro846Ala). This variant is present in population databases (no rsID available, gnomAD 0.0009%). This variant has not been reported in the literature in individuals affected with DDX58-related conditions. Advanced modeling of protein sequence and biophysical properties (such as structural, functional, and spatial information, amino acid conservation, physicochemical variation, residue mobility, and thermodynamic stability) performed at Invitae indicates that this missense variant is not expected to disrupt DDX58 protein function with a negative predictive value of 80%. In summary, the available evidence is currently insufficient to determine the role of this variant in disease. Therefore, it has been classified as a Variant of Uncertain Significance.

NM_014314.4(RIGI):c.2536C>G (p.Pro846Ala)

Gene: RIGI (RNA sensor RIG-I; minus strand). Cytogenetic location: 9p21.1.
Variant type: single nucleotide variant.
Coding change: c.2536C>G on transcript NM_014314.4 (MANE Select); coding-DNA position 2536, C replaced by G.
Protein change: p.Pro846Ala; replaces proline 846 with alanine.
Molecular consequence: missense variant.
Genome position (GRCh38, 1-based): chr9:32,457,364, G>C on the plus strand (C>G on the coding strand, the complement: RIGI is on the minus strand). VCF-style: chr9-32457364-G-C. GRCh37 (hg19) VCF-style: chr9-32457362-G-C.
Other names: c.2530C>G, p.Pro844Ala (NM_001385907.1); c.2365C>G, p.Pro789Ala (NM_001385909.1); c.2095C>G, p.Pro699Ala (NM_001385910.1); c.1927C>G, p.Pro643Ala (NM_001385912.1); c.2521C>G, p.Pro841Ala (NM_001385913.1); c.2092C>G, p.Pro698Ala (NM_001385914.1); short protein forms P841A, P643A, P789A, P844A, P846A, P698A, P699A.
Identifiers: ClinVar variation 3686028 (VCV003686028.2).
Genomic context (GRCh38, chr9:32,457,364, plus strand): 5'-GGGCACAGAATATCTTTGCTCTTTTTTCAAAACTTGAAAACTGCTTTGGCTTGGGATGTG[G>C]TCTACTCACAAAGCATTCCTTAAAAGCATCTCCAAGCACAGTGTAATGGCATTCCTACAG-3'
Protein context (NP_055129.2, residues 836-856): DAFKECFVSR[Pro846Ala]HPKPKQFSSF